The following is an entry in ClinVar:

NM_203486.3(DLL3):c.653_654delinsCT (p.Leu218Pro)

Gene: DLL3 (delta like canonical Notch ligand 3; plus strand). Cytogenetic location: 19q13.2.
Variant type: Indel.
Coding change: c.653_654delinsCT on transcript NM_203486.3 (MANE Select); coding-DNA positions 653 to 654, TG replaced by CT.
Protein change: p.Leu218Pro; replaces leucine 218 with proline.
Molecular consequence: missense variant.
Genome position (GRCh38, 1-based): chr19:39,504,071-39,504,072, TG replaced by CT. VCF-style: chr19-39504071-TG-CT. GRCh37 (hg19) VCF-style: chr19-39994711-TG-CT.
Other names: c.653_654delinsCT, p.Leu218Pro (NM_016941.4); short protein forms L218P.
Identifiers: ClinVar variation 1052682 (VCV001052682.6), dbSNP rs2144760754, ClinGen allele CA2499225484.

ClinVar aggregate classification (germline): Uncertain significance (1 of 4 stars; one submission).

Submission:

Labcorp Genetics (formerly Invitae), Labcorp
Classification: Uncertain significance. Last evaluated: 2022-06-13. Review status: criteria provided, single submitter. Criteria: Invitae Variant Classification Sherloc (09022015). Collection method: clinical testing. Allele origin: germline.
Comment: This sequence change replaces leucine, which is neutral and non-polar, with proline, which is neutral and non-polar, at codon 218 of the DLL3 protein (p.Leu218Pro). This variant is present in population databases (no rsID available, gnomAD 0.9%). This variant has not been reported in the literature in individuals affected with DLL3-related conditions. ClinVar contains an entry for this variant (Variation ID: 1052682). Algorithms developed to predict the effect of missense changes on protein structure and function are either unavailable or do not agree on the potential impact of this missense change (SIFT: "Not Available"; PolyPhen-2: "Benign"; Align-GVGD: "Not Available"). Algorithms developed to predict the effect of sequence changes on RNA splicing suggest that this variant may create or strengthen a splice site. In summary, the available evidence is currently insufficient to determine the role of this variant in disease. Therefore, it has been classified as a Variant of Uncertain Significance.